The following is an entry in ClinVar:

NM_001008537.3(NEXMIF):c.3011G>T (p.Ser1004Ile)

Gene: NEXMIF (neurite extension and migration factor; minus strand). Cytogenetic location: Xq13.3.
Variant type: single nucleotide variant.
Coding change: c.3011G>T on transcript NM_001008537.3 (MANE Select); coding-DNA position 3011, G replaced by T.
Protein change: p.Ser1004Ile; replaces serine 1004 with isoleucine.
Molecular consequence: missense variant.
Genome position (GRCh38, 1-based): chrX:74,741,546, C>A on the plus strand (G>T on the coding strand, the complement: NEXMIF is on the minus strand). VCF-style: chrX-74741546-C-A. GRCh37 (hg19) VCF-style: chrX-73961381-C-A.
Other names: short protein forms S1004I.
Identifiers: ClinVar variation 1059280 (VCV001059280.9), dbSNP rs1602211422, ClinGen allele CA413666924.
Genomic context (GRCh38, chrX:74,741,546, plus strand): 5'-TCAGTGATATCATCATCGCCATCCTTTTCACAGGACTTCAAGCTTAAGGAGCAATAATTA[C>A]TTGAGCTGACAGAGAGTGGGGCCATTGAATCAAAGCTAAAGAGCCGACCATCATCCATAT-3'
Protein context (NP_001008537.1, residues 994-1014): DSMAPLSVSS[Ser1004Ile]NYCSLSLKSC

ClinVar aggregate classification (germline): Uncertain significance (1 of 4 stars; one submission).

Submission:

Labcorp Genetics (formerly Invitae), Labcorp
Classification: Uncertain significance. Last evaluated: 2020-08-25. Review status: criteria provided, single submitter. Criteria: Invitae Variant Classification Sherloc (09022015). Collection method: clinical testing. Allele origin: germline.
Comment: This variant has not been reported in the literature in individuals with NEXMIF-related conditions. This variant is not present in population databases (ExAC no frequency). This sequence change replaces serine with isoleucine at codon 1004 of the NEXMIF protein (p.Ser1004Ile). The serine residue is highly conserved and there is a large physicochemical difference between serine and isoleucine. Algorithms developed to predict the effect of missense changes on protein structure and function (SIFT, PolyPhen-2, Align-GVGD) all suggest that this variant is likely to be disruptive, but these predictions have not been confirmed by published functional studies and their clinical significance is uncertain. In summary, the available evidence is currently insufficient to determine the role of this variant in disease. Therefore, it has been classified as a Variant of Uncertain Significance.